The following is an entry in ClinVar:

ClinVar aggregate classification (germline): Uncertain significance (1 of 4 stars; one submission).

Conditions:
Developmental and epileptic encephalopathy 94 (DEE94). Also called: CHD2-Related Neurodevelopmental Disorders; Epileptic encephalopathy, childhood-onset. Identifiers: Orphanet 1942, Orphanet 2382, MedGen C3809278, MONDO:0014150, OMIM 615369.

Allele frequency attached by ClinVar (database versions not stated): gnomAD 0.00001; gnomAD exomes 0.00002; TOPMed 0.00002; ExAC 0.00006; ESP Exome Variant Server 0.00015.
gnomAD v4.1: 30 of 1,614,018 alleles (0.0019%); highest among the groups gnomAD compares: South Asian, 0.0044%; no homozygotes.

Submission:

Labcorp Genetics (formerly Invitae), Labcorp
Classification: Uncertain significance for Developmental and epileptic encephalopathy 94. Last evaluated: 2024-02-16. Review status: criteria provided, single submitter. Criteria: Invitae Variant Classification Sherloc (09022015). Collection method: clinical testing. Allele origin: germline.
Comment: This sequence change replaces valine, which is neutral and non-polar, with isoleucine, which is neutral and non-polar, at codon 561 of the CHD2 protein (p.Val561Ile). This variant is present in population databases (rs373363898, gnomAD 0.004%). This variant has not been reported in the literature in individuals affected with CHD2-related conditions. ClinVar contains an entry for this variant (Variation ID: 1371944). Advanced modeling of protein sequence and biophysical properties (such as structural, functional, and spatial information, amino acid conservation, physicochemical variation, residue mobility, and thermodynamic stability) performed at Invitae indicates that this missense variant is not expected to disrupt CHD2 protein function with a negative predictive value of 95%. In summary, the available evidence is currently insufficient to determine the role of this variant in disease. Therefore, it has been classified as a Variant of Uncertain Significance.

NM_001271.4(CHD2):c.1681G>A (p.Val561Ile)

Gene: CHD2 (chromodomain helicase DNA binding protein 2; plus strand). Cytogenetic location: 15q26.1.
Variant type: single nucleotide variant.
Coding change: c.1681G>A on transcript NM_001271.4 (MANE Select); coding-DNA position 1681, G replaced by A.
Protein change: p.Val561Ile; replaces valine 561 with isoleucine.
Molecular consequence: missense variant.
Genome position (GRCh38, 1-based): chr15:92,953,535, G>A. VCF-style: chr15-92953535-G-A. GRCh37 (hg19) VCF-style: chr15-93496765-G-A.
Other names: short protein forms V561I.
Identifiers: ClinVar variation 1371944 (VCV001371944.8), dbSNP rs373363898, ClinGen allele CA7747845.
Genomic context (GRCh38, chr15:92,953,535, plus strand): 5'-CCTTTATCCACCCTCACCTCATGGCAGAGAGAGTTTGAAATCTGGGCACCAGAGATTAAC[G>A]TAGTGGTTTACATAGGTGACCTGATGAGCAGAAATACGGTGTGTAAACAAAAAGAGCTGG-3'
Protein context (NP_001262.3, residues 551-571): EFEIWAPEIN[Val561Ile]VVYIGDLMSR